The following is an entry in ClinVar:

NM_006618.5(KDM5B):c.2598G>A (p.Leu866=)

Gene: KDM5B (lysine demethylase 5B; minus strand). Cytogenetic location: 1q32.1.
Variant type: single nucleotide variant.
Coding change: c.2598G>A on transcript NM_006618.5 (MANE Select); coding-DNA position 2598, G replaced by A.
Protein change: p.Leu866=; no amino-acid change (leucine 866 retained).
Molecular consequence: synonymous variant.
Genome position (GRCh38, 1-based): chr1:202,741,714, C>T on the plus strand (G>A on the coding strand, the complement: KDM5B is on the minus strand). VCF-style: chr1-202741714-C-T. GRCh37 (hg19) VCF-style: chr1-202710842-C-T.
Other names: c.2706G>A, p.Leu902= (NM_001314042.2); c.2463G>A, p.Leu821= (NM_001347591.2); c.2583G>A, p.Leu861= (NM_001399817.1).
Identifiers: ClinVar variation 3026640 (VCV003026640.22), dbSNP rs2527459422, ClinGen allele CA422798431.

ClinVar aggregate classification (germline): Likely benign (1 of 4 stars; one submission).

Allele frequency attached by ClinVar (database versions not stated): gnomAD exomes below 0.00001.
gnomAD v4.1: 1 of 1,585,824 alleles (0.000063%); highest among the groups gnomAD compares: Non-Finnish European, 0.000086%; no homozygotes.

Submission:

CeGaT Center for Human Genetics Tuebingen
Classification: Likely benign. Last evaluated: 2023-12-01. Review status: criteria provided, single submitter. Criteria: CeGaT Center For Human Genetics Tuebingen Variant Classification Criteria Version 2. Collection method: clinical testing. Allele origin: germline. Affected: yes. Observed: 1 variant allele.
Comment: KDM5B: PM2:Supporting, BP4, BP7